The following is an entry in ClinVar:

NM_013339.4(ALG6):c.816+1G>A

Gene: ALG6 (ALG6 alpha-1,3-glucosyltransferase; plus strand). Cytogenetic location: 1p31.3.
Variant type: single nucleotide variant.
Coding change: c.816+1G>A on transcript NM_013339.4 (MANE Select); the canonical splice donor site of the intron after coding-DNA position 816, G replaced by A.
Molecular consequence: splice donor variant.
Genome position (GRCh38, 1-based): chr1:63,412,062, G>A. VCF-style: chr1-63412062-G-A. GRCh37 (hg19) VCF-style: chr1-63877733-G-A.
Identifiers: ClinVar variation 4081708 (VCV004081708.1).

ClinVar aggregate classification (germline): Likely pathogenic (1 of 4 stars; one submission).

Conditions:
ALG6-congenital disorder of glycosylation 1C (CDG1C). Also called: Congenital disorder of glycosylation, type Ic; Congenital disorder of glycosylation type 1C; CDG Ic; CARBOHYDRATE-DEFICIENT GLYCOPROTEIN SYNDROME, TYPE I, WITH DEFICIENT GLYCOSYLATION OF DOLICHOL-LINKED OLIGOSACCHARIDE; CARBOHYDRATE-DEFICIENT GLYCOPROTEIN SYNDROME, TYPE V. Identifiers: Orphanet 79320, MedGen C2930997, MONDO:0011291, OMIM 603147.

gnomAD v4.1: 1 of 1,614,008 alleles (0.000062%); highest among the groups gnomAD compares: South Asian, 0.0011%; no homozygotes.

Submission:

Myriad Genetics, Inc.
Classification: Likely pathogenic for ALG6-congenital disorder of glycosylation 1C. Last evaluated: 2025-05-05. Review status: criteria provided, single submitter. Criteria: Myriad Autosomal Dominant, Autosomal Recessive and X-Linked Classification Criteria (2023). Collection method: clinical testing. Allele origin: unknown.
Comment: NM_013339.3(ALG6):c.816+1G>A is a variant in a canonical splice site classified as likely pathogenic in the context of congenital disorder of glycosylation, ALG6-related. c.816+1G>A has not been observed in cases with relevant disease. Relevant functional assessments of this variant are not available in the literature. c.816+1G>A has not been observed in referenced population frequency databases. In summary, NM_013339.3(ALG6):c.816+1G>A is a variant in a canonical splice site in a gene where loss of function is a known mechanism of disease and is predicted to disrupt protein function. Please note: this variant was assessed in the context of healthy population screening.